The following is an entry in ClinVar:

NM_014946.4(SPAST):c.1610_1611dup (p.Ala538fs)

Gene: SPAST (spastin; plus strand). Cytogenetic location: 2p22.3.
Variant type: Duplication.
Coding change: c.1610_1611dup on transcript NM_014946.4 (MANE Select); coding-DNA positions 1610 to 1611, 2 bases duplicated (TT; older notation c.1610_1611dupTT).
Protein change: p.Ala538fs; shifts the reading frame from alanine 538.
Molecular consequence: frameshift variant.
Genome position (GRCh38, 1-based): chr2:32,143,409-32,143,410, TT duplicated. VCF-style (leftmost placement, unchanged base first): chr2-32143408-C-CTT. GRCh37 (hg19) VCF-style: chr2-32368477-C-CTT.
Other names: c.1607_1608dup, p.Ala537fs (NM_001363823.2); c.1511_1512dup, p.Ala505fs (NM_001363875.2); c.1514_1515dup, p.Ala506fs (NM_001377959.1, NM_199436.2); c.1610_1611dupTT (NM_014946.3); short protein forms A505fs, A506fs, A537fs, A538fs.
Identifiers: ClinVar variation 3051967 (VCV003051967.2), dbSNP rs2465903447, ClinGen allele CA2740092821.
Genomic context (GRCh38, chr2:32,143,408, plus strand): 5'-TTGCTTAAAAATCTGTTATGTAAACAAGGAAGTCCATTGACCCAAAAAGAACTAGCACAA[C>CTT]TTGCTAGGTGAGTAATTTGGATTTGGTTTATCTTACAGCTTTTATTTATTTTTTGTAAAT-3'

ClinVar aggregate classification (germline): Likely pathogenic (0 of 4 stars; one submission).

Conditions:
SPAST-related disorder. Also called: SPAST-related condition.

Submission:

PreventionGenetics, part of Exact Sciences
Classification: Likely pathogenic for SPAST-related condition. Last evaluated: 2023-11-06. Review status: no assertion criteria provided. Collection method: clinical testing. Allele origin: germline.
Comment: The SPAST c.1610_1611dupTT variant is predicted to result in a frameshift and premature protein termination (p.Ala538Leufs*4). To our knowledge, this variant has not been reported in the literature or in a large population database, indicating this variant is rare. Frameshift variants in SPAST are expected to be pathogenic. This variant is interpreted as likely pathogenic.